The following is an entry in ClinVar:

ClinVar aggregate classification (germline): Uncertain significance (1 of 4 stars; one submission).

gnomAD v4.1: 34 of 1,614,092 alleles (0.0021%); highest among the groups gnomAD compares: Non-Finnish European, 0.0028%; no homozygotes.

Submission:

Labcorp Genetics (formerly Invitae), Labcorp
Classification: Uncertain significance. Last evaluated: 2024-02-07. Review status: criteria provided, single submitter. Criteria: Invitae Variant Classification Sherloc (09022015). Collection method: clinical testing. Allele origin: germline.
Comment: This sequence change replaces histidine, which is basic and polar, with glutamine, which is neutral and polar, at codon 583 of the MYLK3 protein (p.His583Gln). This variant is present in population databases (rs764920366, gnomAD 0.006%). This variant has not been reported in the literature in individuals affected with MYLK3-related conditions. ClinVar contains an entry for this variant (Variation ID: 1942294). An algorithm developed to predict the effect of missense changes on protein structure and function (PolyPhen-2) suggests that this variant is likely to be tolerated. In summary, the available evidence is currently insufficient to determine the role of this variant in disease. Therefore, it has been classified as a Variant of Uncertain Significance.

NM_182493.3(MYLK3):c.1749C>G (p.His583Gln)

Gene: MYLK3 (myosin light chain kinase 3; minus strand). Cytogenetic location: 16q11.2.
Variant type: single nucleotide variant.
Coding change: c.1749C>G on transcript NM_182493.3 (MANE Select); coding-DNA position 1749, C replaced by G.
Protein change: p.His583Gln; replaces histidine 583 with glutamine.
Molecular consequence: missense variant.
Genome position (GRCh38, 1-based): chr16:46,729,047, G>C on the plus strand (C>G on the coding strand, the complement: MYLK3 is on the minus strand). VCF-style: chr16-46729047-G-C. GRCh37 (hg19) VCF-style: chr16-46762959-G-C.
Other names: c.726C>G, p.His242Gln (NM_001308301.1); short protein forms H242Q, H583Q.
Identifiers: ClinVar variation 1942294 (VCV001942294.5), dbSNP rs764920366, ClinGen allele CA280226476.